The following is an entry in ClinVar:

NM_130849.4(SLC39A4):c.257C>T (p.Pro86Leu)

Gene: SLC39A4 (solute carrier family 39 member 4; minus strand). Cytogenetic location: 8q24.3.
Variant type: single nucleotide variant.
Coding change: c.257C>T on transcript NM_130849.4 (MANE Select); coding-DNA position 257, C replaced by T.
Protein change: p.Pro86Leu; replaces proline 86 with leucine.
Molecular consequence: missense variant.
Genome position (GRCh38, 1-based): chr8:144,416,027, G>A on the plus strand (C>T on the coding strand, the complement: SLC39A4 is on the minus strand). VCF-style: chr8-144416027-G-A. GRCh37 (hg19) VCF-style: chr8-145641411-G-A.
Other names: c.182C>T, p.Pro61Leu (NM_017767.3); short protein forms P86L, P61L.
Identifiers: ClinVar variation 362262 (VCV000362262.45), dbSNP rs187080747, ClinGen allele CA4941759.

ClinVar aggregate classification (germline): Conflicting classifications of pathogenicity. Review status: criteria provided, conflicting classifications (1 of 4 stars). 7 submissions from 7 submitters: Uncertain significance (1); Benign (2); Likely benign (3). 1 of the submissions does not count toward it. Last evaluated 2026-01-28.

Conditions:
Hereditary acrodermatitis enteropathica (AEZ). Also called: Acrodermatitis enteropathica. Identifiers: Orphanet 37, MedGen C0221036, MONDO:0008713, OMIM 201100.

Allele frequency attached by ClinVar (database versions not stated): gnomAD 0.00098 and 0.00109; 1000 Genomes Project 0.00100; 1000 Genomes Project 30x 0.00109; TOPMed 0.00130; ESP Exome Variant Server 0.00155; ExAC 0.00212; gnomAD exomes 0.00214.

Submissions (7):

Labcorp Genetics (formerly Invitae), Labcorp
Classification: Benign. Last evaluated: 2026-01-28. Review status: criteria provided, single submitter. Criteria: Invitae Variant Classification Sherloc (09022015). Collection method: clinical testing. Allele origin: germline.

Genomic Medicine Center of Excellence, King Faisal Specialist Hospital and Research Centre
Classification: Likely benign for Hereditary acrodermatitis enteropathica. Last evaluated: 2025-07-30. Review status: criteria provided, single submitter. Criteria: ACMG Guidelines, 2015. Collection method: clinical testing. Allele origin: germline.

Blueprint Genetics
Classification: Likely benign. Last evaluated: 2024-11-26. Review status: criteria provided, single submitter. Criteria: ACMG Guidelines, 2015. Collection method: clinical testing. Allele origin: germline.

CeGaT Center for Human Genetics Tuebingen
Classification: Likely benign. Last evaluated: 2024-01-01. Review status: criteria provided, single submitter. Criteria: CeGaT Center For Human Genetics Tuebingen Variant Classification Criteria Version 2. Collection method: clinical testing. Allele origin: germline. Affected: yes. Observed: 3 variant alleles.
Comment: SLC39A4: BP4, BS2

Genome-Nilou Lab
Classification: Benign for Hereditary acrodermatitis enteropathica. Last evaluated: 2021-05-18. Review status: criteria provided, single submitter. Criteria: ACMG Guidelines, 2015. Collection method: clinical testing. Allele origin: germline. Affected: no.

Illumina Laboratory Services, Illumina
Classification: Uncertain significance for Hereditary acrodermatitis enteropathica. Last evaluated: 2018-01-12. Review status: criteria provided, single submitter. Criteria: ICSL Variant Classification Criteria 13 December 2019. Collection method: clinical testing. Allele origin: germline.

Natera, Inc.
Classification: Benign for Acrodermatitis enteropathica. Last evaluated: 2019-11-11. Review status: no assertion criteria provided. Collection method: clinical testing. Allele origin: germline. Not counted in ClinVar's aggregate classification.